The following is an entry in ClinVar:

ClinVar aggregate classification (germline): Uncertain significance (1 of 4 stars; one submission).

Submission:

Women's Health and Genetics/Laboratory Corporation of America, LabCorp
Classification: Uncertain significance. Last evaluated: 2023-10-02. Review status: criteria provided, single submitter. Criteria: LabCorp Variant Classification Summary - May 2015. Collection method: clinical testing. Allele origin: germline.
Comment: Variant summary: POMT2 c.1465_1476del12 (p.Gly489_Leu492del) results in an in-frame deletion that is predicted to remove four amino acids within the MIR motif (IPR016093) of the encoded protein sequence. The variant allele was found at a frequency of 4e-06 in 251486 control chromosomes (i.e., 1 heterozygote; gnomAD). The available data on variant occurrences in the general population are insufficient to allow any conclusion about variant significance. To our knowledge, no occurrence of c.1465_1476del12 in individuals affected with Limb-Girdle Muscular Dystrophy, Autosomal Recessive and no experimental evidence demonstrating its impact on protein function have been reported. No submitters have rported clinical-significance assessments for this variant to ClinVar after 2014. Based on the evidence outlined above, the variant was classified as uncertain significance.

NM_013382.7(POMT2):c.1465_1476del (p.Gly489_Leu492del)

Gene: POMT2 (protein O-mannosyltransferase 2; minus strand). Cytogenetic location: 14q24.3.
Variant type: Deletion.
Coding change: c.1465_1476del on transcript NM_013382.7 (MANE Select); coding-DNA positions 1465 to 1476, 12 bases deleted (GGAAAGGTTCTG).
Protein change: p.Gly489_Leu492del.
Molecular consequence: inframe deletion.
Genome position (GRCh38, 1-based): chr14:77,285,489-77,285,500, CAGAACCTTTCC deleted on the plus strand (GGAAAGGTTCTG on the coding strand, the reverse complement: POMT2 is on the minus strand); deleting any 12 consecutive bases within chr14:77,285,489-77,285,501 gives the same sequence; the c. name uses the placement nearest the transcript's 3' end. VCF-style (leftmost placement, unchanged base first): chr14-77285488-GCAGAACCTTTCC-G. GRCh37 (hg19) VCF-style: chr14-77751831-GCAGAACCTTTCC-G.
Other names: c.1465_1476del12 (NM_013382.7).
Identifiers: ClinVar variation 2637787 (VCV002637787.1), dbSNP rs771183711, ClinGen allele CA7285848.